The following is an entry in ClinVar:

ClinVar aggregate classification (germline): Uncertain significance (1 of 4 stars; one submission).

Conditions:
Neuropathy, hereditary sensory, type 2C. Also called: KIF1A-Related HSAN2 (HSAN2C); Hereditary sensory and autonomic neuropathy type IIC. Identifiers: Orphanet 970, MedGen C3280168, MONDO:0013634, OMIM 614213.
Hereditary spastic paraplegia 30. Identifiers: Orphanet 101010, MedGen C5235139, MONDO:0012476.
Intellectual disability, autosomal dominant 9 (NESCAVS). Also called: NESCAV SYNDROME; KIF1A-Related Neurodevelopmental Disorder. Identifiers: Orphanet 662367, MedGen C5393830, MONDO:0013656, OMIM 614255.

Submission:

Labcorp Genetics (formerly Invitae), Labcorp
Classification: Uncertain significance for Hereditary spastic paraplegia 30; Neuropathy, hereditary sensory, type 2C; Intellectual disability, autosomal dominant 9. Last evaluated: 2023-08-11. Review status: criteria provided, single submitter. Criteria: Invitae Variant Classification Sherloc (09022015). Collection method: clinical testing. Allele origin: germline.
Comment: In summary, the available evidence is currently insufficient to determine the role of this variant in disease. Therefore, it has been classified as a Variant of Uncertain Significance. This sequence change replaces glycine, which is neutral and non-polar, with cysteine, which is neutral and slightly polar, at codon 1200 of the KIF1A protein (p.Gly1200Cys). This variant also falls at the last nucleotide of exon 34, which is part of the consensus splice site for this exon. This variant is not present in population databases (gnomAD no frequency). This variant has not been reported in the literature in individuals affected with KIF1A-related conditions. An algorithm developed to predict the effect of missense changes on protein structure and function (PolyPhen-2) suggests that this variant is likely to be disruptive. Variants that disrupt the consensus splice site are a relatively common cause of aberrant splicing (PMID: 17576681, 9536098). Algorithms developed to predict the effect of sequence changes on RNA splicing suggest that this variant may create or strengthen a splice site.

Literature cited by the submitters: PubMed 17576681; PubMed 9536098.

NM_001244008.2(KIF1A):c.3901G>T (p.Gly1301Cys)

Genes: KIF1A (kinesin family member 1A; minus strand), LOC126806583 (P300/CBP strongly-dependent group 1 enhancer GRCh37_chr2:241678910-241680109; plus strand). Cytogenetic location: 2q37.3.
Variant type: single nucleotide variant.
Coding change: c.3901G>T on transcript NM_001244008.2 (MANE Select); coding-DNA position 3901, G replaced by T.
Protein change: p.Gly1301Cys; replaces glycine 1301 with cysteine.
Molecular consequence: missense variant.
Genome position (GRCh38, 1-based): chr2:240,740,058, C>A on the plus strand (G>T on the coding strand, the complement: KIF1A is on the minus strand). VCF-style: chr2-240740058-C-A. GRCh37 (hg19) VCF-style: chr2-241679475-C-A.
Other names: c.3625G>T, p.Gly1209Cys (NM_001320705.2, NM_001330289.2, NM_001379638.1); c.3700G>T, p.Gly1234Cys (NM_001330290.2, NM_001379634.1, NM_001379635.1 and 1 more transcripts); c.3976G>T, p.Gly1326Cys (NM_001379631.1); c.3850G>T, p.Gly1284Cys (NM_001379632.1); c.3874G>T, p.Gly1292Cys (NM_001379633.1, NM_001379642.1, NM_001379645.1); c.3598G>T, p.Ala1200Ser (NM_001379636.1); c.3673G>T, p.Gly1225Cys (NM_001379637.1, NM_001379648.1); c.3598G>T, p.Gly1200Cys (NM_001379639.1, NM_001379641.1, NM_001379649.1 and 5 more transcripts); and 1 more; short protein forms G1199C, G1292C, A1200S, G1200C, G1234C, G1301C, G1225C, G1209C.
Identifiers: ClinVar variation 2950925 (VCV002950925.3), dbSNP rs2537141473, ClinGen allele CA351314123.